The following is an entry in ClinVar:

NM_002047.4(GARS1):c.2108C>T (p.Pro703Leu)

Gene: GARS1 (glycyl-tRNA synthetase 1; plus strand). Cytogenetic location: 7p14.3.
Variant type: single nucleotide variant.
Coding change: c.2108C>T on transcript NM_002047.4 (MANE Select); coding-DNA position 2108, C replaced by T.
Protein change: p.Pro703Leu; replaces proline 703 with leucine.
Molecular consequence: missense variant.
Genome position (GRCh38, 1-based): chr7:30,633,748, C>T. VCF-style: chr7-30633748-C-T. GRCh37 (hg19) VCF-style: chr7-30673364-C-T.
Other names: c.1946C>T, p.Pro649Leu (NM_001316772.1); short protein forms P703L, P649L.
Identifiers: ClinVar variation 624277 (VCV000624277.50), dbSNP rs1002052289, ClinGen allele CA156061565.
Genomic context (GRCh38, chr7:30,633,748, plus strand): 5'-ATCTGAACAAGTTGGTTGATACTTGGCTTCTCTTTCCTTGTCTCTAGATCTCTGAGCTGC[C>T]CAGCATAGTCCAAGACCTAGCCAATGGCAACATCACATGGGCTGATGTGGAGGCCAGGTA-3'
Protein context (NP_002038.2, residues 693-713): RQIRAEISEL[Pro703Leu]SIVQDLANGN

ClinVar aggregate classification (germline): Uncertain significance. Review status: criteria provided, multiple submitters, no conflicts (2 of 4 stars). 2 submissions from 2 submitters: Uncertain significance (2). Last evaluated 2024-09-15.

Conditions:
Charcot-Marie-Tooth disease type 2. Also called: Charcot-Marie-Tooth type 2. Identifiers: Orphanet 64746, MedGen C0270914, MONDO:0018993.

Allele frequency attached by ClinVar (database versions not stated): gnomAD 0.00001; gnomAD exomes 0.00002; TOPMed 0.00002.

Submissions (2):

Labcorp Genetics (formerly Invitae), Labcorp
Classification: Uncertain significance for Charcot-Marie-Tooth disease type 2. Last evaluated: 2024-09-15. Review status: criteria provided, single submitter. Criteria: Invitae Variant Classification Sherloc (09022015). Collection method: clinical testing. Allele origin: germline.
Comment: This sequence change replaces proline, which is neutral and non-polar, with leucine, which is neutral and non-polar, at codon 703 of the GARS protein (p.Pro703Leu). This variant is present in population databases (no rsID available, gnomAD 0.007%). This variant has not been reported in the literature in individuals affected with GARS-related conditions. ClinVar contains an entry for this variant (Variation ID: 624277). Invitae Evidence Modeling of protein sequence and biophysical properties (such as structural, functional, and spatial information, amino acid conservation, physicochemical variation, residue mobility, and thermodynamic stability) has been performed for this missense variant. However, the output from this modeling did not meet the statistical confidence thresholds required to predict the impact of this variant on GARS protein function. In summary, the available evidence is currently insufficient to determine the role of this variant in disease. Therefore, it has been classified as a Variant of Uncertain Significance.

CeGaT Center for Human Genetics Tuebingen
Classification: Uncertain significance. Last evaluated: 2018-06-01. Review status: criteria provided, single submitter. Criteria: CeGaT Center For Human Genetics Tuebingen Variant Classification Criteria Version 2. Collection method: clinical testing. Allele origin: germline. Affected: yes. Observed: 1 variant allele.